The following is an entry in ClinVar:

NM_000426.4(LAMA2):c.7668C>T (p.Thr2556=)

Gene: LAMA2 (laminin subunit alpha 2; plus strand). Cytogenetic location: 6q22.33.
Variant type: single nucleotide variant.
Coding change: c.7668C>T on transcript NM_000426.4 (MANE Select); coding-DNA position 7668, C replaced by T.
Protein change: p.Thr2556=; no amino-acid change (threonine 2556 retained).
Molecular consequence: synonymous variant.
Genome position (GRCh38, 1-based): chr6:129,481,358, C>T. VCF-style: chr6-129481358-C-T. GRCh37 (hg19) VCF-style: chr6-129802503-C-T.
Other names: c.7656C>T, p.Thr2552= (NM_001079823.2).
Identifiers: ClinVar variation 726300 (VCV000726300.12), dbSNP rs757753192, ClinGen allele CA3994633.
Genomic context (GRCh38, chr6:129,481,358, plus strand): 5'-TGTGGAGCTCTCCCCTGTGCCAATTGATGTAGGAACAGAAATCAACCTGTCATTCAGCAC[C>T]AAGAATGAGTCCGGCATCATTCTTTTGGGAAGTGGAGGGACACCAGCACCACCTAGGAGA-3'
Protein context (NP_000417.3, residues 2546-2566): VGTEINLSFS[Thr2556=]KNESGIILLG

ClinVar aggregate classification (germline): Likely benign. Review status: criteria provided, multiple submitters, no conflicts (2 of 4 stars). 2 submissions from 2 submitters: Likely benign (2). Last evaluated 2026-09-01.

Conditions:
LAMA2-related muscular dystrophy (LAMA2-RD). Also called: Laminin alpha 2-related dystrophy. Identifiers: MedGen C5679788, MONDO:0100228.

Allele frequency attached by ClinVar (database versions not stated): gnomAD 0.00001; ExAC 0.00006; gnomAD exomes 0.00008; TOPMed 0.00009.
gnomAD v4.1: 23 of 1,613,324 alleles (0.0014%); highest among the groups gnomAD compares: Admixed American, 0.038%; no homozygotes.

Submissions (2):

CeGaT Center for Human Genetics Tuebingen
Classification: Likely benign. Last evaluated: 2026-09-01. Review status: criteria provided, single submitter. Criteria: CeGaT Center For Human Genetics Tuebingen Variant Classification Criteria Version 2. Collection method: clinical testing. Allele origin: germline. Affected: yes. Observed: 1 variant allele.
Comment: LAMA2: BP4, BP7

Labcorp Genetics (formerly Invitae), Labcorp
Classification: Likely benign for LAMA2-related muscular dystrophy. Last evaluated: 2025-12-20. Review status: criteria provided, single submitter. Criteria: Invitae Variant Classification Sherloc (09022015). Collection method: clinical testing. Allele origin: germline.